The following is an entry in ClinVar:

NM_001928.4(CFD):c.623C>G (p.Ser208Cys)

Gene: CFD (complement factor D; plus strand). Cytogenetic location: 19p13.3.
Variant type: single nucleotide variant.
Coding change: c.623C>G on transcript NM_001928.4 (MANE Select); coding-DNA position 623, C replaced by G.
Protein change: p.Ser208Cys; replaces serine 208 with cysteine.
Molecular consequence: missense variant.
Genome position (GRCh38, 1-based): chr19:863,099, C>G. VCF-style: chr19-863099-C-G. GRCh37 (hg19) VCF-style: chr19-863099-C-G.
Other names: c.623C>G (NM_001928.2); c.644C>G, p.Ser215Cys (NM_001317335.2); short protein forms S208C, S215C.
Identifiers: ClinVar variation 1408273 (VCV001408273.10), dbSNP rs1401823744, ClinGen allele CA402923467.

ClinVar aggregate classification (germline): Uncertain significance. Review status: criteria provided, multiple submitters, no conflicts (2 of 4 stars). 3 submissions from 3 submitters: Uncertain significance (3). Last evaluated 2022-09-06.

Conditions:
Recurrent Neisseria infections due to factor D deficiency. Also called: FACTOR D DEFICIENCY. Identifiers: Orphanet 169467, MedGen C0398764, MONDO:0013487, OMIM 613912.

Allele frequency attached by ClinVar (database versions not stated): gnomAD 0.00002 and 0.00003; TOPMed 0.00008; 1000 Genomes Project 30x 0.00016; gnomAD exomes 0.00016.

Submissions (3):

Labcorp Genetics (formerly Invitae), Labcorp
Classification: Uncertain significance. Last evaluated: 2022-09-06. Review status: criteria provided, single submitter. Criteria: Invitae Variant Classification Sherloc (09022015). Collection method: clinical testing. Allele origin: germline.
Comment: This sequence change replaces serine, which is neutral and polar, with cysteine, which is neutral and slightly polar, at codon 208 of the CFD protein (p.Ser208Cys). This variant is present in population databases (no rsID available, gnomAD 0.2%). This variant has not been reported in the literature in individuals affected with CFD-related conditions. ClinVar contains an entry for this variant (Variation ID: 1408273). Algorithms developed to predict the effect of missense changes on protein structure and function are either unavailable or do not agree on the potential impact of this missense change (SIFT: "Not Available"; PolyPhen-2: "Probably Damaging"; Align-GVGD: "Not Available"). In summary, the available evidence is currently insufficient to determine the role of this variant in disease. Therefore, it has been classified as a Variant of Uncertain Significance.

Ambry Genetics
Classification: Uncertain significance. Last evaluated: 2022-07-26. Review status: criteria provided, single submitter. Criteria: Ambry Variant Classification Scheme 2023. Collection method: clinical testing. Allele origin: germline.

Juno Genomics, Hangzhou Juno Genomics, Inc
Classification: Uncertain significance for Recurrent Neisseria infections due to factor D deficiency. Review status: criteria provided, single submitter. Criteria: ACMG Guidelines, 2015. Collection method: clinical testing. Allele origin: germline.
Comment: Absent from controls (or at extremely low frequency if recessive) in Genome Aggregation Database.;Multiple lines of computational evidence support a deleterious effect on the gene or gene product.